The following is an entry in ClinVar:

ClinVar aggregate classification (germline): Likely benign (0 of 4 stars; one submission).

Conditions:
ZFHX4-related disorder. Also called: ZFHX4-related condition.

Allele frequency attached by ClinVar (database versions not stated): TOPMed 0.00001; gnomAD 0.00002; gnomAD exomes 0.00002.
gnomAD v4.1: 36 of 1,613,596 alleles (0.0022%); highest among the groups gnomAD compares: Admixed American, 0.0033%; no homozygotes.

Submission:

PreventionGenetics, part of Exact Sciences
Classification: Likely benign for ZFHX4-related condition. Last evaluated: 2019-09-18. Review status: no assertion criteria provided. Collection method: clinical testing. Allele origin: germline.
Comment: This variant is classified as likely benign based on ACMG/AMP sequence variant interpretation guidelines (Richards et al. 2015 PMID: 25741868, with internal and published modifications).

NM_024721.5(ZFHX4):c.3069C>T (p.His1023=)

Gene: ZFHX4 (zinc finger homeobox 4; plus strand). Cytogenetic location: 8q21.13.
Variant type: single nucleotide variant.
Coding change: c.3069C>T on transcript NM_024721.5 (MANE Select); coding-DNA position 3069, C replaced by T.
Protein change: p.His1023=; no amino-acid change (histidine 1023 retained).
Molecular consequence: synonymous variant.
Genome position (GRCh38, 1-based): chr8:76,708,024, C>T. VCF-style: chr8-76708024-C-T. GRCh37 (hg19) VCF-style: chr8-77620259-C-T.
Other names: c.2991C>T, p.His997= (NM_001410934.1).
Identifiers: ClinVar variation 3040344 (VCV003040344.2), dbSNP rs750690709, ClinGen allele CA4787116.